The following is an entry in ClinVar:

NM_004985.5(KRAS):c.274G>A (p.Asp92Asn)

Gene: KRAS (KRAS proto-oncogene, GTPase; minus strand). Cytogenetic location: 12p12.1.
Variant type: single nucleotide variant.
Coding change: c.274G>A on transcript NM_004985.5 (MANE Select); coding-DNA position 274, G replaced by A.
Protein change: p.Asp92Asn; replaces aspartic acid 92 with asparagine.
Molecular consequence: missense variant.
Genome position (GRCh38, 1-based): chr12:25,227,250, C>T on the plus strand (G>A on the coding strand, the complement: KRAS is on the minus strand). VCF-style: chr12-25227250-C-T. GRCh37 (hg19) VCF-style: chr12-25380184-C-T.
Other names: c.274G>A, p.Asp92Asn (NM_033360.4, NM_001369786.1, NM_001369787.1); short protein forms D92N.
Identifiers: ClinVar variation 3687821 (VCV003687821.2).
Genomic context (GRCh38, chr12:25,227,250, plus strand): 5'-AATTACTCCTTAATGTCAGCTTATTATATTCAATTTAAACCCACCTATAATGGTGAATAT[C>T]TTCAAATGATTTAGTATTATTTATGGCAAATACACAAAGAAAGCCCTCCCCAGTCCTCAT-3'
Protein context (NP_004976.2, residues 82-102): FAINNTKSFE[Asp92Asn]IHHYREQIKR

ClinVar aggregate classification (germline): Uncertain significance (1 of 4 stars; one submission).

Conditions:
RASopathy. Also called: Noonan spectrum disorder; rasopathies. Identifiers: Orphanet 536391, MedGen C5555857, MONDO:0021060.

Submission:

Labcorp Genetics (formerly Invitae), Labcorp
Classification: Uncertain significance for RASopathy. Last evaluated: 2024-06-22. Review status: criteria provided, single submitter. Criteria: Invitae Variant Classification Sherloc (09022015). Collection method: clinical testing. Allele origin: germline.
Comment: This sequence change replaces aspartic acid, which is acidic and polar, with asparagine, which is neutral and polar, at codon 92 of the KRAS protein (p.Asp92Asn). This variant is not present in population databases (gnomAD no frequency). This variant has not been reported in the literature in individuals affected with KRAS-related conditions. Advanced modeling of protein sequence and biophysical properties (such as structural, functional, and spatial information, amino acid conservation, physicochemical variation, residue mobility, and thermodynamic stability) performed at Invitae indicates that this missense variant is expected to disrupt KRAS protein function with a positive predictive value of 95%. Experimental studies are conflicting or provide insufficient evidence to determine the effect of this variant on KRAS function (PMID: 30792310). Algorithms developed to predict the effect of sequence changes on RNA splicing suggest that this variant may disrupt the consensus splice site. In summary, the available evidence is currently insufficient to determine the role of this variant in disease. Therefore, it has been classified as a Variant of Uncertain Significance.

Literature cited by the submitters: PubMed 30792310.